The following is an entry in ClinVar:

ClinVar aggregate classification (germline): Likely pathogenic (1 of 4 stars; one submission).

Conditions:
Charcot-Marie-Tooth disease type 4B1. Also called: CHARCOT-MARIE-TOOTH DISEASE, AUTOSOMAL RECESSIVE, WITH FOCALLY FOLDED MYELIN SHEATHS, AUTOSOMAL RECESSIVE, TYPE 4B1; CHARCOT-MARIE-TOOTH DISEASE, TYPE 4B; Charcot-Marie-Tooth Neuropathy Type 4B1; CHARCOT-MARIE-TOOTH DISEASE, DEMYELINATING, TYPE 4B1. Identifiers: Orphanet 99955, MedGen C1832399, MONDO:0011066, OMIM 601382.

Submission:

Neuberg Centre For Genomic Medicine, NCGM
Classification: Likely pathogenic for Charcot-Marie-Tooth disease type 4B1. Review status: criteria provided, single submitter. Criteria: ACMG Guidelines, 2015. Collection method: clinical testing. Allele origin: germline. Inheritance: Autosomal recessive inheritance. Affected: yes.
Comment: The frameshift variant c.771_772del (p.Arg257SerfsTer19) in MTMR2 gene has not been reported previously as a pathogenic variant nor as a benign variant, to our knowledge. The p.Arg257SerfsTer19 variant is novel (not in any individuals) in gnomAD Exomes and 1000 Genomes. This variant causes a frameshift starting with codon Arginine 257, changes this amino acid to Serine residue, and creates a premature Stop codon at position 19 of the new reading frame, denoted p.Arg257SerfsTer19.This variant is predicted to cause loss of normal protein function. Loss of function variants have been previously reported to be disease causing. For these reasons, this variant has been classified as Likely Pathogenic.

NM_016156.6(MTMR2):c.771_772del (p.Arg257fs)

Gene: MTMR2 (myotubularin related protein 2; minus strand). Cytogenetic location: 11q21.
Variant type: Microsatellite.
Coding change: c.771_772del on transcript NM_016156.6 (MANE Select); coding-DNA positions 771 to 772, 2 bases deleted (AG; older notation c.771_772delAG).
Protein change: p.Arg257fs; shifts the reading frame from arginine 257.
Molecular consequence: frameshift variant.
Genome position (GRCh38, 1-based): chr11:95,850,632-95,850,633, CT deleted on the plus strand (AG on the coding strand, the reverse complement: MTMR2 is on the minus strand); deleting any 2 consecutive bases within chr11:95,850,632-95,850,637 gives the same sequence; the c. name uses the placement nearest the transcript's 3' end. VCF-style (leftmost placement, unchanged base first): chr11-95850631-ACT-A. GRCh37 (hg19) VCF-style: chr11-95583795-ACT-A.
Other names: c.555_556del, p.Arg185fs (NM_001243571.2, NM_201278.3, NM_201281.3); short protein forms R257fs, R185fs.
Identifiers: ClinVar variation 2584950 (VCV002584950.1), dbSNP rs2496508385, ClinGen allele CA2582342447.